The following is an entry in ClinVar:

ClinVar aggregate classification (germline): Likely benign (1 of 4 stars; one submission).

Allele frequency attached by ClinVar (database versions not stated): gnomAD exomes below 0.00001.

Submission:

CeGaT Center for Human Genetics Tuebingen
Classification: Likely benign. Last evaluated: 2022-06-01. Review status: criteria provided, single submitter. Criteria: CeGaT Center For Human Genetics Tuebingen Variant Classification Criteria Version 2. Collection method: clinical testing. Allele origin: germline. Affected: yes. Observed: 1 variant allele.
Comment: NKX2-4: PM2:Supporting, BP4, BP7

NM_033176.2(NKX2-4):c.288G>T (p.Pro96=)

Gene: NKX2-4 (NK2 homeobox 4; minus strand). Cytogenetic location: 20p11.22.
Variant type: single nucleotide variant.
Coding change: c.288G>T on transcript NM_033176.2 (MANE Select); coding-DNA position 288, G replaced by T.
Protein change: p.Pro96=; no amino-acid change (proline 96 retained).
Molecular consequence: synonymous variant.
Genome position (GRCh38, 1-based): chr20:21,397,112, C>A on the plus strand (G>T on the coding strand, the complement: NKX2-4 is on the minus strand). VCF-style: chr20-21397112-C-A. GRCh37 (hg19) VCF-style: chr20-21377750-C-A.
Identifiers: ClinVar variation 2652236 (VCV002652236.24), dbSNP rs2039033081, ClinGen allele CA510169127.